The following is an entry in ClinVar:

NM_001197104.2(KMT2A):c.9204G>T (p.Gln3068His)

Gene: KMT2A (lysine methyltransferase 2A; plus strand). Cytogenetic location: 11q23.3.
Variant type: single nucleotide variant.
Coding change: c.9204G>T on transcript NM_001197104.2 (MANE Select); coding-DNA position 9204, G replaced by T.
Protein change: p.Gln3068His; replaces glutamine 3068 with histidine.
Molecular consequence: missense variant.
Genome position (GRCh38, 1-based): chr11:118,505,096, G>T. VCF-style: chr11-118505096-G-T. GRCh37 (hg19) VCF-style: chr11-118375811-G-T.
Other names: c.9294G>T, p.Gln3098His (NM_001412597.1); c.9195G>T, p.Gln3065His (NM_005933.4); short protein forms Q3098H, Q3068H, Q3065H.
Identifiers: ClinVar variation 2776819 (VCV002776819.3), dbSNP rs1555047578, ClinGen allele CA382819127.

ClinVar aggregate classification (germline): Uncertain significance (1 of 4 stars; one submission).

Allele frequency attached by ClinVar (database versions not stated): gnomAD exomes below 0.00001; gnomAD 0.00001; 1000 Genomes Project 30x 0.00031.
gnomAD v4.1: 3 of 1,614,050 alleles (0.00019%); highest among the groups gnomAD compares: African/African-American, 0.004%; no homozygotes.

Submission:

Labcorp Genetics (formerly Invitae), Labcorp
Classification: Uncertain significance. Last evaluated: 2023-03-10. Review status: criteria provided, single submitter. Criteria: Invitae Variant Classification Sherloc (09022015). Collection method: clinical testing. Allele origin: germline.
Comment: This variant has not been reported in the literature in individuals affected with KMT2A-related conditions. Advanced modeling of protein sequence and biophysical properties (such as structural, functional, and spatial information, amino acid conservation, physicochemical variation, residue mobility, and thermodynamic stability) performed at Invitae indicates that this missense variant is not expected to disrupt KMT2A protein function. In summary, the available evidence is currently insufficient to determine the role of this variant in disease. Therefore, it has been classified as a Variant of Uncertain Significance. This sequence change replaces glutamine, which is neutral and polar, with histidine, which is basic and polar, at codon 3068 of the KMT2A protein (p.Gln3068His). This variant is present in population databases (no rsID available, gnomAD 0.01%).